The following is an entry in ClinVar:

ClinVar aggregate classification (germline): Uncertain significance (1 of 4 stars; one submission).

Conditions:
RASopathy. Also called: rasopathies; Noonan spectrum disorder. Identifiers: Orphanet 536391, MedGen C5555857, MONDO:0021060.

Submission:

Labcorp Genetics (formerly Invitae), Labcorp
Classification: Uncertain significance for RASopathy. Last evaluated: 2024-10-24. Review status: criteria provided, single submitter. Criteria: Invitae Variant Classification Sherloc (09022015). Collection method: clinical testing. Allele origin: germline.
Comment: This sequence change replaces leucine, which is neutral and non-polar, with valine, which is neutral and non-polar, at codon 608 of the RAF1 protein (p.Leu608Val). This variant is not present in population databases (gnomAD no frequency). This variant has not been reported in the literature in individuals affected with RAF1-related conditions. ClinVar contains an entry for this variant (Variation ID: 2159569). Invitae Evidence Modeling incorporating data from in vitro experimental studies (internal data) indicates that this missense variant is expected to disrupt RAF1 function with a positive predictive value of 95%. In summary, the available evidence is currently insufficient to determine the role of this variant in disease. Therefore, it has been classified as a Variant of Uncertain Significance.

NM_002880.4(RAF1):c.1822C>G (p.Leu608Val)

Gene: RAF1 (Raf-1 proto-oncogene, serine/threonine kinase; minus strand). Cytogenetic location: 3p25.2.
Variant type: single nucleotide variant.
Coding change: c.1822C>G on transcript NM_002880.4 (MANE Select); coding-DNA position 1822, C replaced by G.
Protein change: p.Leu608Val; replaces leucine 608 with valine.
Molecular consequence: missense variant. On other transcripts: non-coding transcript variant (3).
Genome position (GRCh38, 1-based): chr3:12,584,639, G>C on the plus strand (C>G on the coding strand, the complement: RAF1 is on the minus strand). VCF-style: chr3-12584639-G-C. GRCh37 (hg19) VCF-style: chr3-12626138-G-C.
Other names: c.1882C>G, p.Leu628Val (NM_001354689.3); c.1822C>G, p.Leu608Val (NM_001354690.3); c.1579C>G, p.Leu527Val (NM_001354691.3, NM_001354692.3); c.1723C>G, p.Leu575Val (NM_001354693.3); c.1639C>G, p.Leu547Val (NM_001354694.3); c.1480C>G, p.Leu494Val (NM_001354695.3); short protein forms L494V, L527V, L547V, L608V, L628V, L575V.
Identifiers: ClinVar variation 2159569 (VCV002159569.4), dbSNP rs2058262007, ClinGen allele CA351496173.